The following is an entry in ClinVar:

NM_001961.4(EEF2):c.1810A>C (p.Met604Leu)

Gene: EEF2 (eukaryotic translation elongation factor 2; minus strand). Cytogenetic location: 19p13.3.
Variant type: single nucleotide variant.
Coding change: c.1810A>C on transcript NM_001961.4 (MANE Select); coding-DNA position 1810, A replaced by C.
Protein change: p.Met604Leu; replaces methionine 604 with leucine.
Molecular consequence: missense variant.
Genome position (GRCh38, 1-based): chr19:3,978,076, T>G on the plus strand (A>C on the coding strand, the complement: EEF2 is on the minus strand). VCF-style: chr19-3978076-T-G. GRCh37 (hg19) VCF-style: chr19-3978074-T-G.
Other names: short protein forms M604L.
Identifiers: ClinVar variation 2808864 (VCV002808864.3), dbSNP rs768970441, ClinGen allele CA403390981.

ClinVar aggregate classification (germline): Uncertain significance (1 of 4 stars; one submission).

Submission:

Labcorp Genetics (formerly Invitae), Labcorp
Classification: Uncertain significance. Last evaluated: 2022-10-20. Review status: criteria provided, single submitter. Criteria: Invitae Variant Classification Sherloc (09022015). Collection method: clinical testing. Allele origin: germline.
Comment: Advanced modeling of protein sequence and biophysical properties (such as structural, functional, and spatial information, amino acid conservation, physicochemical variation, residue mobility, and thermodynamic stability) performed at Invitae indicates that this missense variant is not expected to disrupt EEF2 protein function. This variant has not been reported in the literature in individuals affected with EEF2-related conditions. This variant is not present in population databases (gnomAD no frequency). This sequence change replaces methionine, which is neutral and non-polar, with leucine, which is neutral and non-polar, at codon 604 of the EEF2 protein (p.Met604Leu). In summary, the available evidence is currently insufficient to determine the role of this variant in disease. Therefore, it has been classified as a Variant of Uncertain Significance.